The following is an entry in ClinVar:

NM_002439.5(MSH3):c.515_517del (p.Ile172del)

Gene: MSH3 (mutS homolog 3; plus strand). Cytogenetic location: 5q14.1.
Variant type: Deletion.
Coding change: c.515_517del on transcript NM_002439.5 (MANE Select); coding-DNA positions 515 to 517, 3 bases deleted (TCA; older notation c.515_517delTCA).
Protein change: p.Ile172del; deletes isoleucine 172.
Molecular consequence: inframe deletion.
Genome position (GRCh38, 1-based): chr5:80,665,299-80,665,301, TCA deleted; deleting any 3 consecutive bases within chr5:80,665,298-80,665,301 gives the same sequence; the c. name uses the placement nearest the transcript's 3' end. VCF-style (leftmost placement, unchanged base first): chr5-80665297-TATC-T. GRCh37 (hg19) VCF-style: chr5-79961116-TATC-T.
Other names: short protein forms I172del.
Identifiers: ClinVar variation 1745669 (VCV001745669.2), dbSNP rs2546717530, ClinGen allele CA2580073538.
Genomic context (GRCh38, chr5:80,665,297, plus strand): 5'-CCAGACAGAATCTCTGCAGGAGAGATTTGCAGTTCTGCCAAAATGTACTGATTTTGATGA[TATC>T]AGTCTTCTACACGCAAAGAATGCAGTTTCTTCTGAAGATTCGAAACGTCAAATTAATCAA-3'

ClinVar aggregate classification (germline): Uncertain significance (1 of 4 stars; one submission).

Conditions:
Hereditary cancer-predisposing syndrome. Also called: Hereditary Cancer Syndrome; Neoplastic Syndromes, Hereditary; Tumor predisposition; Hereditary neoplastic syndrome. Identifiers: Orphanet 140162, MedGen C0027672, MeSH D009386, MONDO:0015356.

Submission:

Ambry Genetics
Classification: Uncertain significance for Hereditary cancer-predisposing syndrome. Last evaluated: 2021-04-19. Review status: criteria provided, single submitter. Criteria: Ambry Variant Classification Scheme 2023. Collection method: clinical testing. Allele origin: germline.
Comment: The c.515_517delTCA variant (also known as p.I172del) is located in coding exon 3 of the MSH3 gene. This variant results from an in-frame TCA deletion at nucleotide positions 515 to 517. This results in the in-frame deletion of an isoleucine at codon 172. This amino acid position is well conserved in available vertebrate species. In addition, this alteration is predicted to be neutral by in silico analysis (Choi Y et al. PLoS ONE. 2012; 7(10):e46688). Since supporting evidence is limited at this time, the clinical significance of this alteration remains unclear.